The following is an entry in ClinVar:

ClinVar aggregate classification (germline): Uncertain significance. Review status: criteria provided, multiple submitters, no conflicts (2 of 4 stars). 3 submissions from 3 submitters: Uncertain significance (3). Last evaluated 2025-07-04.

Conditions:
Nephronophthisis 9 (NPHP9). Identifiers: Orphanet 655, MedGen C3151188, MONDO:0013444, OMIM 613824.
Renal-hepatic-pancreatic dysplasia 2 (RHPD2). Identifiers: MedGen C3809434, MONDO:0014174, OMIM 615415.
Polycystic kidney disease 8. Identifiers: MedGen C5935640, MONDO:0971178, OMIM 620903.
Inborn genetic diseases. Identifiers: MedGen C0950123, MeSH D030342.

gnomAD v4.1: 13 of 1,613,800 alleles (0.00081%); highest among the groups gnomAD compares: East Asian, 0.029%; no homozygotes.

Submissions (3):

Labcorp Genetics (formerly Invitae), Labcorp
Classification: Uncertain significance for Nephronophthisis 9. Last evaluated: 2025-07-04. Review status: criteria provided, single submitter. Criteria: Invitae Variant Classification Sherloc (09022015). Collection method: clinical testing. Allele origin: germline.
Comment: This sequence change replaces serine, which is neutral and polar, with asparagine, which is neutral and polar, at codon 427 of the NEK8 protein (p.Ser427Asn). This variant is present in population databases (rs772733940, gnomAD 0.06%). This variant has not been reported in the literature in individuals affected with NEK8-related conditions. ClinVar contains an entry for this variant (Variation ID: 3581777). An algorithm developed to predict the effect of missense changes on protein structure and function outputs the following: PolyPhen-2: "Benign". The asparagine amino acid residue is found in multiple mammalian species, which suggests that this missense change does not adversely affect protein function. In summary, the available evidence is currently insufficient to determine the role of this variant in disease. Therefore, it has been classified as a Variant of Uncertain Significance.

Ambry Genetics
Classification: Uncertain significance for Inborn genetic diseases. Last evaluated: 2025-04-30. Review status: criteria provided, single submitter. Criteria: Ambry Variant Classification Scheme 2023. Collection method: clinical testing. Allele origin: germline.

Fulgent Genetics
Classification: Uncertain significance for Nephronophthisis 9; Renal-hepatic-pancreatic dysplasia 2; Polycystic kidney disease 8. Last evaluated: 2024-04-24. Review status: criteria provided, single submitter. Criteria: ACMG Guidelines, 2015. Collection method: clinical testing. Allele origin: germline.

NM_178170.3(NEK8):c.1280G>A (p.Ser427Asn)

Gene: NEK8 (NIMA related kinase 8; plus strand). Cytogenetic location: 17q11.2.
Variant type: single nucleotide variant.
Coding change: c.1280G>A on transcript NM_178170.3 (MANE Select); coding-DNA position 1280, G replaced by A.
Protein change: p.Ser427Asn; replaces serine 427 with asparagine.
Molecular consequence: missense variant.
Genome position (GRCh38, 1-based): chr17:28,738,728, G>A. VCF-style: chr17-28738728-G-A. GRCh37 (hg19) VCF-style: chr17-27065746-G-A.
Other names: c.1280G>A (NM_178170.2); short protein forms S427N.
Identifiers: ClinVar variation 3581777 (VCV003581777.4).
Genomic context (GRCh38, chr17:28,738,728, plus strand): 5'-CAGACAGAGGCATCATCATGACATTCGGCAGCGGCAGCAATGGGTGCCTAGGCCATGGCA[G>A]CCTCACTGACATCAGCCAGGTGGGTGTCACATATACCTTGGGAAGGGGAAGTCGGGGGAT-3'
Protein context (NP_835464.1, residues 417-437): SGSNGCLGHG[Ser427Asn]LTDISQPTIV